The following is an entry in ClinVar:

NM_001349338.3(FOXP1):c.1475A>G (p.Tyr492Cys)

Genes: FOXP1 (forkhead box P1; minus strand), LOC126806714 (BRD4-independent group 4 enhancer GRCh37_chr3:71025197-71026396; plus strand). Cytogenetic location: 3p13.
Variant type: single nucleotide variant.
Coding change: c.1475A>G on transcript NM_001349338.3 (MANE Select); coding-DNA position 1475, A replaced by G.
Protein change: p.Tyr492Cys; replaces tyrosine 492 with cysteine.
Molecular consequence: missense variant. On other transcripts: non-coding transcript variant (2).
Genome position (GRCh38, 1-based): chr3:70,976,996, T>C on the plus strand (A>G on the coding strand, the complement: FOXP1 is on the minus strand). VCF-style: chr3-70976996-T-C. GRCh37 (hg19) VCF-style: chr3-71026147-T-C.
Other names: c.1472A>G, p.Tyr491Cys (NM_001244808.3, NM_001349341.3); c.1475A>G, p.Tyr492Cys (NM_001244810.2, NM_001244814.3, NM_001244816.2 and 2 more transcripts); c.1247A>G, p.Tyr416Cys (NM_001244812.3); c.1175A>G, p.Tyr392Cys (NM_001244813.3, NM_001244815.2, NM_001349342.3); c.1172A>G, p.Tyr391Cys (NM_001349337.2, NM_001349343.3, NM_001349344.3 and 1 more transcripts); c.1475A>G (NM_032682.5); short protein forms Y391C, Y392C, Y416C, Y491C, Y492C.
Identifiers: ClinVar variation 976000 (VCV000976000.4), dbSNP rs2037702385, ClinGen allele CA353492923.

ClinVar aggregate classification (germline): Conflicting classifications of pathogenicity. Review status: criteria provided, conflicting classifications (1 of 4 stars). 3 submissions from 3 submitters: Likely pathogenic (2); Uncertain significance (1). Last evaluated 2024-04-09.

Conditions:
Intellectual disability-severe speech delay-mild dysmorphism syndrome (IDDLA). Also called: Mental retardation with language impairment and autistic features; Intellectual developmental disorder with language impairment AND with or without autistic features; FOXP1 Syndrome. Identifiers: Orphanet 391372, MedGen C4013764, MONDO:0013352, OMIM 613670.

Submissions (3):

GeneDx
Classification: Uncertain significance. Last evaluated: 2024-04-09. Review status: criteria provided, single submitter. Criteria: GeneDx Variant Classification Process June 2021. Collection method: clinical testing. Allele origin: germline. Affected: yes.
Comment: Identified as a de novo variant in an individual from a cohort of patients with neurodevelopmental disorders, however detailed clinical information was not provided (PMID: 36672771, 35998261); Not observed at significant frequency in large population cohorts (gnomAD); In silico analysis supports that this missense variant has a deleterious effect on protein structure/function; This variant is associated with the following publications: (PMID: 35998261, 36672771)

MGZ Medical Genetics Center
Classification: Likely pathogenic for Intellectual disability-severe speech delay-mild dysmorphism syndrome. Last evaluated: 2022-03-28. Review status: criteria provided, single submitter. Criteria: ACMG Guidelines, 2015. Collection method: clinical testing. Allele origin: germline. Affected: yes. Observed: 1 variant allele.
Comment: ACMG criteria applied: PS2, PM2_SUP, PP3

Institute of Human Genetics, University of Leipzig Medical Center
Classification: Likely pathogenic for Intellectual disability-severe speech delay-mild dysmorphism syndrome. Last evaluated: 2020-02-04. Review status: criteria provided, single submitter. Criteria: ACMG Guidelines, 2015. Collection method: clinical testing. Allele origin: germline. Affected: yes. Observed: 1 variant allele.
Comment: This variant was identified as de novo (maternity and paternity confirmed).